The following is an entry in ClinVar:

NM_018847.4(KLHL9):c.184A>G (p.Ile62Val)

Gene: KLHL9 (kelch like family member 9; minus strand). Cytogenetic location: 9p21.3.
Variant type: single nucleotide variant.
Coding change: c.184A>G on transcript NM_018847.4 (MANE Select); coding-DNA position 184, A replaced by G.
Protein change: p.Ile62Val; replaces isoleucine 62 with valine.
Molecular consequence: missense variant.
Genome position (GRCh38, 1-based): chr9:21,334,676, T>C on the plus strand (A>G on the coding strand, the complement: KLHL9 is on the minus strand). VCF-style: chr9-21334676-T-C. GRCh37 (hg19) VCF-style: chr9-21334675-T-C.
Other names: short protein forms I62V.
Identifiers: ClinVar variation 3000808 (VCV003000808.3), dbSNP rs781488144, ClinGen allele CA5010687.

ClinVar aggregate classification (germline): Uncertain significance (1 of 4 stars; one submission).

Allele frequency attached by ClinVar (database versions not stated): ExAC 0.00002; gnomAD exomes 0.00001; TOPMed 0.00001.
gnomAD v4.1: 15 of 1,614,152 alleles (0.00093%); highest among the groups gnomAD compares: Admixed American, 0.0017%; no homozygotes.

Submission:

Labcorp Genetics (formerly Invitae), Labcorp
Classification: Uncertain significance. Last evaluated: 2025-12-08. Review status: criteria provided, single submitter. Criteria: Invitae Variant Classification Sherloc (09022015). Collection method: clinical testing. Allele origin: germline.
Comment: This sequence change replaces isoleucine, which is neutral and non-polar, with valine, which is neutral and non-polar, at codon 62 of the KLHL9 protein (p.Ile62Val). This variant is present in population databases (rs781488144, gnomAD 0.004%). This variant has not been reported in the literature in individuals affected with KLHL9-related conditions. ClinVar contains an entry for this variant (Variation ID: 3000808). Invitae Evidence Modeling of protein sequence and biophysical properties (such as structural, functional, and spatial information, amino acid conservation, physicochemical variation, residue mobility, and thermodynamic stability) indicates that this missense variant is not expected to disrupt KLHL9 protein function with a negative predictive value of 80%. In summary, the available evidence is currently insufficient to determine the role of this variant in disease. Therefore, it has been classified as a Variant of Uncertain Significance.